The following is an entry in ClinVar:

NM_001104631.2(PDE4D):c.836A>C (p.Glu279Ala)

Gene: PDE4D (phosphodiesterase 4D; minus strand). Cytogenetic location: 5q11.2.
Variant type: single nucleotide variant.
Coding change: c.836A>C on transcript NM_001104631.2 (MANE Select); coding-DNA position 836, A replaced by C.
Protein change: p.Glu279Ala; replaces glutamic acid 279 with alanine.
Molecular consequence: missense variant. On other transcripts: 5 prime UTR variant (2).
Genome position (GRCh38, 1-based): chr5:59,038,944, T>G on the plus strand (A>C on the coding strand, the complement: PDE4D is on the minus strand). VCF-style: chr5-59038944-T-G. GRCh37 (hg19) VCF-style: chr5-58334771-T-G.
Other names: c.653A>C, p.Glu218Ala (NM_001165899.2, NM_001364599.1); c.644A>C, p.Glu215Ala (NM_001197218.2); c.470A>C, p.Glu157Ala (NM_001197219.2); c.446A>C, p.Glu149Ala (NM_001197220.2); c.-71A>C (NM_001197221.2, NM_001364603.1); c.164A>C, p.Glu55Ala (NM_001197222.2); c.623A>C, p.Glu208Ala (NM_001349241.2); c.506A>C, p.Glu169Ala (NM_001349242.2); and 2 more; short protein forms E157A, E279A, E143A, E149A, E218A, E169A, E215A, E208A.
Identifiers: ClinVar variation 2861253 (VCV002861253.3), dbSNP rs1213097056, ClinGen allele CA359818402.

ClinVar aggregate classification (germline): Uncertain significance (1 of 4 stars; one submission).

Allele frequency attached by ClinVar (database versions not stated): gnomAD 0.00001.
gnomAD v4.1: 1 of 1,597,844 alleles (0.000063%); highest among the groups gnomAD compares: Non-Finnish European, 0.000085%; no homozygotes.

Submission:

Labcorp Genetics (formerly Invitae), Labcorp
Classification: Uncertain significance. Last evaluated: 2023-10-03. Review status: criteria provided, single submitter. Criteria: Invitae Variant Classification Sherloc (09022015). Collection method: clinical testing. Allele origin: germline.
Comment: This sequence change replaces glutamic acid, which is acidic and polar, with alanine, which is neutral and non-polar, at codon 279 of the PDE4D protein (p.Glu279Ala). This variant is present in population databases (no rsID available, gnomAD 0.007%). This variant has not been reported in the literature in individuals affected with PDE4D-related conditions. Advanced modeling of protein sequence and biophysical properties (such as structural, functional, and spatial information, amino acid conservation, physicochemical variation, residue mobility, and thermodynamic stability) has been performed at Invitae for this missense variant, however the output from this modeling did not meet the statistical confidence thresholds required to predict the impact of this variant on PDE4D protein function. In summary, the available evidence is currently insufficient to determine the role of this variant in disease. Therefore, it has been classified as a Variant of Uncertain Significance.